The following is an entry in ClinVar:

ClinVar aggregate classification (germline): Uncertain significance (1 of 4 stars; one submission).

Allele frequency attached by ClinVar (database versions not stated): TOPMed 0.00001; gnomAD 0.00005; gnomAD exomes 0.00006; ExAC 0.00017; 1000 Genomes Project 0.00020; 1000 Genomes Project 30x 0.00031.
gnomAD v4.1: 101 of 1,613,574 alleles (0.0063%); highest among the groups gnomAD compares: South Asian, 0.1%; 1 homozygote.

Submission:

Labcorp Genetics (formerly Invitae), Labcorp
Classification: Uncertain significance. Last evaluated: 2025-03-10. Review status: criteria provided, single submitter. Criteria: Invitae Variant Classification Sherloc (09022015). Collection method: clinical testing. Allele origin: germline.
Comment: This sequence change replaces glutamic acid, which is acidic and polar, with lysine, which is basic and polar, at codon 51 of the ATP5E protein (p.Glu51Lys). This variant is present in population databases (rs535707067, gnomAD 0.1%), and has an allele count higher than expected for a pathogenic variant. This variant has not been reported in the literature in individuals affected with ATP5E-related conditions. ClinVar contains an entry for this variant (Variation ID: 1922032). An algorithm developed to predict the effect of missense changes on protein structure and function (PolyPhen-2) suggests that this variant is likely to be tolerated. In summary, the available evidence is currently insufficient to determine the role of this variant in disease. Therefore, it has been classified as a Variant of Uncertain Significance.

NM_006886.4(ATP5F1E):c.151G>A (p.Glu51Lys)

Genes: ATP5F1E (ATP synthase F1 subunit epsilon; minus strand), SLMO2-ATP5E (SLMO2-ATP5E readthrough; minus strand). Cytogenetic location: 20q13.32.
Variant type: single nucleotide variant.
Coding change: c.151G>A on transcript NM_006886.4 (MANE Select); coding-DNA position 151, G replaced by A.
Protein change: p.Glu51Lys; replaces glutamic acid 51 with lysine.
Molecular consequence: missense variant. On other transcripts: non-coding transcript variant (2).
Genome position (GRCh38, 1-based): chr20:59,030,311, C>T on the plus strand (G>A on the coding strand, the complement: ATP5F1E is on the minus strand). VCF-style: chr20-59030311-C-T. GRCh37 (hg19) VCF-style: chr20-57605366-C-T.
Other names: c.151G>A, p.Glu51Lys (NM_001001977.1); short protein forms E51K.
Identifiers: ClinVar variation 1922032 (VCV001922032.5), dbSNP rs535707067, ClinGen allele CA9928729.